The following is an entry in ClinVar:

NM_022095.4(ZNF335):c.2560G>A (p.Gly854Ser)

Gene: ZNF335 (zinc finger protein 335; minus strand). Cytogenetic location: 20q13.12.
Variant type: single nucleotide variant.
Coding change: c.2560G>A on transcript NM_022095.4 (MANE Select); coding-DNA position 2560, G replaced by A.
Protein change: p.Gly854Ser; replaces glycine 854 with serine.
Molecular consequence: missense variant.
Genome position (GRCh38, 1-based): chr20:45,953,831, C>T on the plus strand (G>A on the coding strand, the complement: ZNF335 is on the minus strand). VCF-style: chr20-45953831-C-T. GRCh37 (hg19) VCF-style: chr20-44582470-C-T.
Other names: short protein forms G854S.
Identifiers: ClinVar variation 2346789 (VCV002346789.3), dbSNP rs201896098, ClinGen allele CA9885320.

ClinVar aggregate classification (germline): Likely benign. Review status: criteria provided, multiple submitters, no conflicts (2 of 4 stars). 2 submissions from 2 submitters: Likely benign (2). Last evaluated 2026-07-01.

Conditions:
Inborn genetic diseases. Identifiers: MedGen C0950123, MeSH D030342.

Allele frequency attached by ClinVar (database versions not stated): TOPMed 0.00001; gnomAD 0.00004; ExAC 0.00013; 1000 Genomes Project 30x 0.00016; 1000 Genomes Project 0.00020.
gnomAD v4.1: 93 of 1,614,026 alleles (0.0058%); highest among the groups gnomAD compares: South Asian, 0.088%; 1 homozygote.

Submissions (2):

CeGaT Center for Human Genetics Tuebingen
Classification: Likely benign. Last evaluated: 2026-07-01. Review status: criteria provided, single submitter. Criteria: CeGaT Center For Human Genetics Tuebingen Variant Classification Criteria Version 2. Collection method: clinical testing. Allele origin: germline. Affected: yes. Observed: 1 variant allele.
Comment: ZNF335: BP4

Ambry Genetics
Classification: Likely benign for Inborn genetic diseases. Last evaluated: 2022-02-17. Review status: criteria provided, single submitter. Criteria: Ambry Variant Classification Scheme 2023. Collection method: clinical testing. Allele origin: germline.